The following is an entry in ClinVar:

NM_005632.3(CAPN15):c.2959G>A (p.Val987Met)

Gene: CAPN15 (calpain 15; plus strand). Cytogenetic location: 16p13.3.
Variant type: single nucleotide variant.
Coding change: c.2959G>A on transcript NM_005632.3 (MANE Select); coding-DNA position 2959, G replaced by A.
Protein change: p.Val987Met; replaces valine 987 with methionine.
Molecular consequence: missense variant.
Genome position (GRCh38, 1-based): chr16:552,917, G>A. VCF-style: chr16-552917-G-A. GRCh37 (hg19) VCF-style: chr16-602917-G-A.
Other names: short protein forms V987M.
Identifiers: ClinVar variation 5005598 (VCV005005598.2).

ClinVar aggregate classification (germline): Uncertain significance (1 of 4 stars; one submission).

Conditions:
Oculogastrointestinal-neurodevelopmental syndrome. Identifiers: Orphanet 611201, MedGen C5543355, MONDO:0036189, OMIM 619318.

gnomAD v4.1: 40 of 1,611,530 alleles (0.0025%); highest among the groups gnomAD compares: East Asian, 0.0067%; no homozygotes.

Submission:

Juno Genomics, Hangzhou Juno Genomics, Inc
Classification: Uncertain significance for Oculogastrointestinal-neurodevelopmental syndrome. Review status: criteria provided, single submitter. Criteria: ACMG Guidelines, 2015. Collection method: clinical testing. Allele origin: germline.
Comment: Absent from controls (or at extremely low frequency if recessive) in Genome Aggregation Database.;Multiple lines of computational evidence support a deleterious effect on the gene or gene product.